The following is an entry in ClinVar:

ClinVar aggregate classification (germline): Pathogenic/Likely pathogenic. Review status: criteria provided, multiple submitters, no conflicts (2 of 4 stars). 3 submissions from 3 submitters: Pathogenic (2); Likely pathogenic (1). Last evaluated 2024-01-28.

Conditions:
Bardet-Biedl syndrome 1 (BBS1). Identifiers: MedGen C2936862, MONDO:0008854, OMIM 209900. Disease mechanism: loss of function.
Bardet-Biedl syndrome (BBS). Identifiers: Orphanet 110, MedGen C0752166, MONDO:0015229.

Submissions (3):

Fulgent Genetics
Classification: Likely pathogenic for Bardet-Biedl syndrome 1. Last evaluated: 2024-01-28. Review status: criteria provided, single submitter. Criteria: ACMG Guidelines, 2015. Collection method: clinical testing. Allele origin: germline.

Labcorp Genetics (formerly Invitae), Labcorp
Classification: Pathogenic for Bardet-Biedl syndrome. Last evaluated: 2019-09-26. Review status: criteria provided, single submitter. Criteria: Invitae Variant Classification Sherloc (09022015). Collection method: clinical testing. Allele origin: germline.
Comment: This sequence change creates a premature translational stop signal (p.Leu24Phefs*75) in the BBS1 gene. It is expected to result in an absent or disrupted protein product. This variant is not present in population databases (ExAC no frequency). This variant has not been reported in the literature in individuals with BBS1-related conditions. Loss-of-function variants in BBS1 are known to be pathogenic (PMID: 12118255). For these reasons, this variant has been classified as Pathogenic.

SN ONGC Dept of Genetics and Molecular biology Vision Research Foundation
Classification: Pathogenic for Bardet-Biedl syndrome. Review status: criteria provided, single submitter. Criteria: ACMG Guidelines, 2015. Collection method: research. Allele origin: biparental. Affected: yes. Observed: 1 heterozygote.
Comment: This variant was observed in trigenic inheritance with the variants NC_000009.11:g.119460391C>T and NC_000002.11:g.27702395G>A.

Literature cited by the submitters: PubMed 12118255 (cited by Labcorp Genetics (formerly Invitae), Labcorp).

NM_024649.5(BBS1):c.71dup (p.Leu24fs)

Gene: BBS1 (Bardet-Biedl syndrome 1; plus strand). Cytogenetic location: 11q13.2.
Variant type: Duplication.
Coding change: c.71dup on transcript NM_024649.5 (MANE Select); coding-DNA position 71, one base duplicated (T; older notation c.71dupT).
Protein change: p.Leu24fs; shifts the reading frame from leucine 24.
Molecular consequence: frameshift variant.
Genome position (GRCh38, 1-based): chr11:66,511,036, T duplicated; the last of 2 consecutive T bases (chr11:66,511,035-66,511,036); duplicating either gives the same sequence. VCF-style (leftmost placement, unchanged base first): chr11-66511034-G-GT. GRCh37 (hg19) VCF-style: chr11-66278505-G-GT.
Other names: short protein forms L24fs.
Identifiers: ClinVar variation 943343 (VCV000943343.9), dbSNP rs1855932012, ClinGen allele CA1139662032.